The following is an entry in ClinVar:

ClinVar aggregate classification (germline): Uncertain significance (1 of 4 stars; one submission).

Conditions:
Cardiovascular phenotype. Identifiers: MedGen CN230736.

Submission:

Ambry Genetics
Classification: Uncertain significance for Cardiovascular phenotype. Last evaluated: 2026-06-15. Review status: criteria provided, single submitter. Criteria: Ambry Variant Classification Scheme 2023. Collection method: clinical testing. Allele origin: germline.
Comment: The p.V384A variant (also known as c.1151T>C), located in coding exon 6 of the KCNH2 gene, results from a T to C substitution at nucleotide position 1151. The valine at codon 384 is replaced by alanine, an amino acid with similar properties. This amino acid position is conserved. In addition, this alteration is predicted to be deleterious by in silico analysis. Based on the available evidence, the clinical significance of this variant remains unclear.

NM_000238.4(KCNH2):c.1151T>C (p.Val384Ala)

Gene: KCNH2 (potassium voltage-gated channel subfamily H member 2; minus strand). Cytogenetic location: 7q36.1.
Variant type: single nucleotide variant.
Coding change: c.1151T>C on transcript NM_000238.4 (MANE Select); coding-DNA position 1151, T replaced by C.
Protein change: p.Val384Ala; replaces valine 384 with alanine.
Molecular consequence: missense variant. On other transcripts: non-coding transcript variant (2).
Genome position (GRCh38, 1-based): chr7:150,952,831, A>G on the plus strand (T>C on the coding strand, the complement: KCNH2 is on the minus strand). VCF-style: chr7-150952831-A-G. GRCh37 (hg19) VCF-style: chr7-150649919-A-G.
Other names: c.131T>C, p.Val44Ala (NM_001204798.2, NM_172057.3); c.863T>C, p.Val288Ala (NM_001406753.1, NM_001406756.1); c.974T>C, p.Val325Ala (NM_001406755.1); c.851T>C, p.Val284Ala (NM_001406757.1); c.1151T>C, p.Val384Ala (NM_172056.3); short protein forms V325A, V288A, V284A, V384A, V44A.
Identifiers: ClinVar variation 5022971 (VCV005022971.1).